The following is an entry in ClinVar:

ClinVar aggregate classification (germline): Pathogenic (1 of 4 stars; one submission).

Submission:

Ambry Genetics
Classification: Pathogenic. Last evaluated: 2026-06-24. Review status: criteria provided, single submitter. Criteria: Ambry Variant Classification Scheme 2023. Collection method: clinical testing. Allele origin: germline.
Comment: The p.G127* pathogenic mutation (also known as c.379G>T), located in coding exon 1 of the MLH3 gene, results from a G to T substitution at nucleotide position 379. This changes the amino acid from a glycine to a stop codon within coding exon 1. This variant is considered to be rare based on population cohorts in the Genome Aggregation Database (gnomAD). This alteration is expected to result in loss of function by premature protein truncation or nonsense-mediated mRNA decay. As such, this alteration is interpreted as a disease-causing mutation.

NM_001040108.2(MLH3):c.379G>T (p.Gly127Ter)

Gene: MLH3 (mutL homolog 3; minus strand). Cytogenetic location: 14q24.3.
Variant type: single nucleotide variant.
Coding change: c.379G>T on transcript NM_001040108.2 (MANE Select); coding-DNA position 379, G replaced by T.
Protein change: p.Gly127Ter; replaces glycine 127 with a stop codon.
Molecular consequence: nonsense.
Genome position (GRCh38, 1-based): chr14:75,049,277, C>A on the plus strand (G>T on the coding strand, the complement: MLH3 is on the minus strand). VCF-style: chr14-75049277-C-A. GRCh37 (hg19) VCF-style: chr14-75515980-C-A.
Other names: c.379G>T, p.Gly127Ter (NM_014381.3); short protein forms G127*.
Identifiers: ClinVar variation 5024549 (VCV005024549.1).